The following is an entry in ClinVar:

NM_004115.4(FGF14):c.608-3T>C

Gene: FGF14 (fibroblast growth factor 14; minus strand). Cytogenetic location: 13q33.1.
Variant type: single nucleotide variant.
Coding change: c.608-3T>C on transcript NM_004115.4 (MANE Select); 3 bases into the intron before coding-DNA position 608, T replaced by C.
Molecular consequence: intron variant.
Genome position (GRCh38, 1-based): chr13:101,722,970, A>G on the plus strand (T>C on the coding strand, the complement: FGF14 is on the minus strand). VCF-style: chr13-101722970-A-G. GRCh37 (hg19) VCF-style: chr13-102375320-A-G.
Other names: c.467-3T>C (NM_001321947.2); c.506-3T>C (NM_001379342.1, NM_001321948.2, NM_001321945.2); c.356-3T>C (NM_001321946.2, NM_001321949.1, NM_001321943.1 and 4 more transcripts); c.428-3T>C (NM_001321938.2, NM_001321940.1, NM_001321933.1); c.512-3T>C (NM_001321939.2); c.623-3T>C (NM_175929.3); c.422-3T>C (NM_001321941.2); c.419-3T>C (NM_001321944.1, NM_001321936.1, NM_001321932.1).
Identifiers: ClinVar variation 2230624 (VCV002230624.2), dbSNP rs375906199, ClinGen allele CA7037112.

ClinVar aggregate classification (germline): Uncertain significance (1 of 4 stars; one submission).

Conditions:
Inborn genetic diseases. Identifiers: MedGen C0950123, MeSH D030342.

Allele frequency attached by ClinVar (database versions not stated): gnomAD exomes below 0.00001; ExAC 0.00001; TOPMed 0.00002; gnomAD 0.00005; ESP Exome Variant Server 0.00008.
gnomAD v4.1: 12 of 1,612,994 alleles (0.00074%); highest among the groups gnomAD compares: African/African-American, 0.016%; no homozygotes.

Submission:

Ambry Genetics
Classification: Uncertain significance for Inborn genetic diseases. Last evaluated: 2021-10-21. Review status: criteria provided, single submitter. Criteria: Ambry Variant Classification Scheme 2023. Collection method: clinical testing. Allele origin: germline.
Comment: The c.608-3T>C intronic alteration consists of a T to C substitution 3 nucleotides before exon 5 of the FGF14 gene. Based on insufficient or conflicting evidence, the clinical significance of this alteration remains unclear.